The following is an entry in ClinVar:

ClinVar aggregate classification (germline): Pathogenic. Review status: criteria provided, multiple submitters, no conflicts (2 of 4 stars). 11 submissions from 11 submitters: Pathogenic (8). 3 of the submissions do not count toward it. Last evaluated 2026-01-19.

Conditions:
FAM161A-related disorder. Also called: FAM161A-related condition.
Retinal dystrophy. Also called: Inherited retinal dystrophy. Identifiers: Orphanet 71862, MedGen C0854723, MeSH D058499, MONDO:0019118, HP:0000556.
Autosomal recessive retinitis pigmentosa. Identifiers: MedGen C0339526.
Retinitis pigmentosa 28 (RP28). Identifiers: Orphanet 791, MedGen C1419614, MONDO:0011630, OMIM 606068.

Allele frequency attached by ClinVar (database versions not stated): gnomAD exomes below 0.00001 and 0.00001; ExAC 0.00001.
gnomAD v4.1: 6 of 1,613,876 alleles (0.00037%); highest among the groups gnomAD compares: South Asian, 0.0033%; no homozygotes.

Submissions (11):

Labcorp Genetics (formerly Invitae), Labcorp
Classification: Pathogenic. Last evaluated: 2026-01-19. Review status: criteria provided, single submitter. Criteria: Invitae Variant Classification Sherloc (09022015). Collection method: clinical testing. Allele origin: germline.
Comment: This sequence change creates a premature translational stop signal (p.Arg229*) in the FAM161A gene. It is expected to result in an absent or disrupted protein product. Loss-of-function variants in FAM161A are known to be pathogenic (PMID: 20705278, 20705279, 24651477). This variant is present in population databases (rs267606794, gnomAD 0.007%). This premature translational stop signal has been observed in individual(s) with retinitis pigmentosa (PMID: 10507729, 20705278, 26355662). It has also been observed to segregate with disease in related individuals. ClinVar contains an entry for this variant (Variation ID: 35). For these reasons, this variant has been classified as Pathogenic.

Revvity Omics, Revvity
Classification: Pathogenic for Retinitis pigmentosa 28. Last evaluated: 2024-09-17. Review status: criteria provided, single submitter. Criteria: ACMG Guidelines, 2015. Collection method: clinical testing. Allele origin: germline.

Ophthalmic Genetics Group, Institute of Molecular and Clinical Ophthalmology Basel
Classification: Pathogenic for Retinal dystrophy. Last evaluated: 2024-05-27. Review status: criteria provided, single submitter. Criteria: ACMG Guidelines, 2015. Collection method: research. Allele origin: germline. Affected: yes. Observed: 1 variant allele.
Comment: This variant was classified as Pathogenic based on ACMG criteria: PVS1_very strong, PM2_mod and PM3_very strong

Fulgent Genetics
Classification: Pathogenic for Retinitis pigmentosa 28. Last evaluated: 2024-03-12. Review status: criteria provided, single submitter. Criteria: ACMG Guidelines, 2015. Collection method: clinical testing. Allele origin: germline.

CeGaT Center for Human Genetics Tuebingen
Classification: Pathogenic. Last evaluated: 2023-01-01. Review status: criteria provided, single submitter. Criteria: CeGaT Center For Human Genetics Tuebingen Variant Classification Criteria Version 2. Collection method: clinical testing. Allele origin: germline. Affected: yes. Observed: 4 variant alleles.
Comment: FAM161A: PVS1, PM2, PM3, PS4:Supporting

Blueprint Genetics
Classification: Pathogenic for FAM161A-related disorders. Last evaluated: 2022-08-11. Review status: criteria provided, single submitter. Criteria: ACMG Guidelines, 2015. Collection method: clinical testing. Allele origin: germline. Affected: yes. Observed: 5 variant alleles.

Institute of Medical Genetics and Applied Genomics, University Hospital Tübingen
Classification: Pathogenic. Last evaluated: 2021-09-15. Review status: criteria provided, single submitter. Criteria: ACMG Guidelines, 2015. Collection method: clinical testing. Allele origin: germline. Inheritance: Autosomal recessive inheritance. Affected: yes.

Juno Genomics, Hangzhou Juno Genomics, Inc
Classification: Pathogenic for Retinitis pigmentosa 28. Review status: criteria provided, single submitter. Criteria: ACMG Guidelines, 2015. Collection method: clinical testing. Allele origin: germline.
Comment: Absent from controls (or at extremely low frequency if recessive) in Genome Aggregation Database.;Null variant in a gene where loss of function (LOF) is a known mechanism of disease.;For recessive disorders, detected in trans with a pathogenic variant.

Natera, Inc.
Classification: Pathogenic for Retinitis pigmentosa type 28. Last evaluated: 2021-07-28. Review status: no assertion criteria provided. Collection method: clinical testing. Allele origin: germline. Not counted in ClinVar's aggregate classification.

Faculty of Health Sciences, Beirut Arab University
Classification: Pathogenic for Autosomal recessive Retinitis Pigmentosa. Last evaluated: 2015-09-10. Review status: no assertion criteria provided. Collection method: literature only. Allele origin: germline. Affected: yes. Observed: 3 variant alleles. Not counted in ClinVar's aggregate classification.

OMIM
Classification: Pathogenic for RETINITIS PIGMENTOSA 28. Last evaluated: 2010-09-10. Review status: no assertion criteria provided. Collection method: literature only. Allele origin: germline. Not counted in ClinVar's aggregate classification.

Literature cited by the submitters: PubMed 20705278 (cited by 3 submitters); PubMed 20705279 (cited by Labcorp Genetics (formerly Invitae), Labcorp); PubMed 24651477 (cited by Labcorp Genetics (formerly Invitae), Labcorp); PubMed 10507729 (cited by 3 submitters); PubMed 26355662 (cited by Labcorp Genetics (formerly Invitae), Labcorp and Faculty of Health Sciences, Beirut Arab University); PubMed 40180963 (cited by Ophthalmic Genetics Group, Institute of Molecular and Clinical Ophthalmology Basel).

NM_001201543.2(FAM161A):c.685C>T (p.Arg229Ter)

Gene: FAM161A (FAM161 centrosomal protein A; minus strand). Cytogenetic location: 2p15.
Variant type: single nucleotide variant.
Coding change: c.685C>T on transcript NM_001201543.2 (MANE Select); coding-DNA position 685, C replaced by T.
Protein change: p.Arg229Ter; replaces arginine 229 with a stop codon.
Molecular consequence: nonsense. On other transcripts: non-coding transcript variant (1).
Genome position (GRCh38, 1-based): chr2:61,840,319, G>A on the plus strand (C>T on the coding strand, the complement: FAM161A is on the minus strand). VCF-style: chr2-61840319-G-A. GRCh37 (hg19) VCF-style: chr2-62067454-G-A.
Other names: NP_001188472.1:p.(Arg229Ter); c.685C>T, p.Arg229Ter (NM_032180.3); short protein forms R229*.
Identifiers: ClinVar variation 35 (VCV000000035.63), dbSNP rs267606794, ClinGen allele CA251355.